The following is an entry in ClinVar:

NM_006929.5(SKIC2):c.1647_1647+2delinsAGAGAGA

Gene: SKIC2 (SKI2 subunit of superkiller complex; plus strand). Cytogenetic location: 6p21.33.
Variant type: Indel.
Coding change: c.1647_1647+2delinsAGAGAGA on transcript NM_006929.5 (MANE Select); coding-DNA position 1647 through the canonical splice donor site of the intron after coding-DNA position 1647, GGT replaced by AGAGAGA.
Molecular consequence: splice donor variant.
Genome position (GRCh38, 1-based): chr6:31,963,733-31,963,735, GGT replaced by AGAGAGA. VCF-style: chr6-31963733-GGT-AGAGAGA. GRCh37 (hg19) VCF-style: chr6-31931510-GGT-AGAGAGA.
Identifiers: ClinVar variation 2871929 (VCV002871929.3), dbSNP rs2482941811, ClinGen allele CA2739272875.
Genomic context (GRCh38, chr6:31,963,733, plus strand): 5'-GAGCAAACACGCCCAGACCTTTGGGGCCAAGCAGCCCACACATCAGGGGGGCCCTGCACA[GGT>AGAGAGA]GAGAACTGGGAGGGTTTTGTACCTGCCAGCACCTGTTTTTCCTCCTATCTTTTTTTTCCC-3'

ClinVar aggregate classification (germline): Likely pathogenic (1 of 4 stars; one submission).

Submission:

Labcorp Genetics (formerly Invitae), Labcorp
Classification: Likely pathogenic. Last evaluated: 2021-07-18. Review status: criteria provided, single submitter. Criteria: Invitae Variant Classification Sherloc (09022015). Collection method: clinical testing. Allele origin: germline.
Comment: In summary, the currently available evidence indicates that the variant is pathogenic, but additional data are needed to prove that conclusively. Therefore, this variant has been classified as Likely Pathogenic. Algorithms developed to predict the effect of sequence changes on RNA splicing suggest that this variant may disrupt the consensus splice site. This variant has not been reported in the literature in individuals affected with SKIV2L-related conditions. This variant is not present in population databases (ExAC no frequency). This sequence change affects a donor splice site in intron 15 of the SKIV2L gene. It is expected to disrupt RNA splicing. Variants that disrupt the donor or acceptor splice site typically lead to a loss of protein function (PMID: 16199547), and loss-of-function variants in SKIV2L are known to be pathogenic (PMID: 22444670).

Literature cited by the submitters: PubMed 16199547; PubMed 22444670.